The following is an entry in ClinVar:

NM_000540.3(RYR1):c.4045G>C (p.Glu1349Gln)

Gene: RYR1 (ryanodine receptor 1; plus strand). Cytogenetic location: 19q13.2.
Variant type: single nucleotide variant.
Coding change: c.4045G>C on transcript NM_000540.3 (MANE Select); coding-DNA position 4045, G replaced by C.
Protein change: p.Glu1349Gln; replaces glutamic acid 1349 with glutamine.
Molecular consequence: missense variant.
Genome position (GRCh38, 1-based): chr19:38,473,656, G>C. VCF-style: chr19-38473656-G-C. GRCh37 (hg19) VCF-style: chr19-38964296-G-C.
Other names: c.4045G>C, p.Glu1349Gln (NM_001042723.2); short protein forms E1349Q.
Identifiers: ClinVar variation 3073009 (VCV003073009.1), dbSNP rs1424893787, ClinGen allele CA405642768.

ClinVar aggregate classification (germline): Uncertain significance (1 of 4 stars; one submission).

Conditions:
Malignant hyperthermia, susceptibility to, 1 (MHS1). Also called: Anesthesia related hyperthermia; Malignant hyperpyrexia; Fulminating hyperpyrexia; Pharmacogenic myopathy; RYR1-Related Malignant Hyperthermia Susceptibility; Malignant hyperthermia suceptibility 1. Identifiers: Orphanet 423, MedGen C2930980, MONDO:0007783, OMIM 145600.

Allele frequency attached by ClinVar (database versions not stated): gnomAD 0.00001; gnomAD exomes 0.00001.
gnomAD v4.1: 4 of 1,555,150 alleles (0.00026%); highest among the groups gnomAD compares: Non-Finnish European, 0.00017%; no homozygotes.

Submission:

All of Us Research Program, National Institutes of Health
Classification: Uncertain significance for Malignant hyperthermia, susceptibility to, 1. Last evaluated: 2023-08-15. Review status: criteria provided, single submitter. Criteria: ACMG Guidelines, 2015. Collection method: clinical testing. Allele origin: germline. Inheritance: Autosomal dominant inheritance. Observed: 1 variant allele, 1 heterozygote.
Comment: This missense variant replaces glutamic acid with glutamine at codon 1349 of the RYR1 protein. Computational prediction suggests that this variant may not impact protein structure and function (internally defined REVEL score threshold <= 0.5, PMID: 27666373). To our knowledge, functional studies have not been reported for this variant. This variant has not been reported in individuals affected with RYR1-related disorders in the literature. This variant has been identified in 2/183414 chromosomes in the general population by the Genome Aggregation Database (gnomAD). The available evidence is insufficient to determine the role of this variant in disease conclusively. Therefore, this variant is classified as a Variant of Uncertain Significance.

This study involves interpretation of variants in research participants for the purpose of population health screening. Participant phenotype was not available at the time of variant classification. Additional details can be found in publication PMID: 35346344, PMCID: PMC8962531